The following is an entry in ClinVar:

NM_001079668.3(NKX2-1):c.650C>A (p.Ser217Ter)

Genes: NKX2-1 (NK2 homeobox 1; minus strand), SFTA3 (surfactant associated 3; minus strand). Cytogenetic location: 14q13.3.
Variant type: single nucleotide variant.
Coding change: c.650C>A on transcript NM_001079668.3 (MANE Select); coding-DNA position 650, C replaced by A.
Protein change: p.Ser217Ter; replaces serine 217 with a stop codon.
Molecular consequence: nonsense.
Genome position (GRCh38, 1-based): chr14:36,517,834, G>T on the plus strand (C>A on the coding strand, the complement: NKX2-1 is on the minus strand). VCF-style: chr14-36517834-G-T. GRCh37 (hg19) VCF-style: chr14-36987039-G-T.
Other names: c.560C>A, p.Ser187Ter (NM_003317.4); short protein forms S187*, S217*.
Identifiers: ClinVar variation 2506928 (VCV002506928.17), dbSNP rs1447379564, ClinGen allele CA389459349.

ClinVar aggregate classification (germline): Pathogenic. Review status: criteria provided, multiple submitters, no conflicts (2 of 4 stars). 3 submissions from 3 submitters: Pathogenic (3). Last evaluated 2024-11-01.

Conditions:
NKX2-1-Related Disorders. Also called: NKX2-1-related disorder. Identifiers: MedGen CN381057.
Brain-lung-thyroid syndrome. Also called: CHOREOATHETOSIS AND CONGENITAL HYPOTHYROIDISM WITH PULMONARY DYSFUNCTION; Choreoathetosis, Congenital Hypothyroidism, and Neonatal Respiratory Distress Syndrome (Brain-Lung-Thyroid Syndrome); Choreoathetosis, congenital hypothyroidism, and neonatal respiratory distress. Identifiers: Orphanet 209905, MedGen C1970269, MONDO:0012593, OMIM 610978.

Submissions (3):

CeGaT Center for Human Genetics Tuebingen
Classification: Pathogenic. Last evaluated: 2024-11-01. Review status: criteria provided, single submitter. Criteria: CeGaT Center For Human Genetics Tuebingen Variant Classification Criteria Version 2. Collection method: clinical testing. Allele origin: germline. Affected: yes. Observed: 1 variant allele.
Comment: NKX2-1: PS2, PVS1:Strong, PM2

Blueprint Genetics
Classification: Pathogenic for NKX2-1-related disorders. Last evaluated: 2023-11-28. Review status: criteria provided, single submitter. Criteria: ACMG Guidelines, 2015. Collection method: clinical testing. Allele origin: de novo. Affected: yes. Observed: 3 variant alleles.

Molecular Diagnostics Lab, Nemours Children's Health, Delaware
Classification: Pathogenic for Brain-lung-thyroid syndrome. Last evaluated: 2020-02-26. Review status: criteria provided, single submitter. Criteria: ACMG Guidelines, 2015. Collection method: clinical testing. Allele origin: unknown. Inheritance: Autosomal dominant inheritance. Affected: yes. Observed: 1 heterozygote.

Literature cited by the submitters: PubMed 18661567 (cited by Molecular Diagnostics Lab, Nemours Children's Health, Delaware).